The following is an entry in ClinVar:

NM_016333.4(SRRM2):c.5840G>T (p.Arg1947Leu)

Gene: SRRM2 (serine/arginine repetitive matrix 2; plus strand). Cytogenetic location: 16p13.3.
Variant type: single nucleotide variant.
Coding change: c.5840G>T on transcript NM_016333.4 (MANE Select); coding-DNA position 5840, G replaced by T.
Protein change: p.Arg1947Leu; replaces arginine 1947 with leucine.
Molecular consequence: missense variant.
Genome position (GRCh38, 1-based): chr16:2,766,368, G>T. VCF-style: chr16-2766368-G-T. GRCh37 (hg19) VCF-style: chr16-2816369-G-T.
Other names: short protein forms R1947L.
Identifiers: ClinVar variation 3376797 (VCV003376797.1).

ClinVar aggregate classification (germline): Uncertain significance (1 of 4 stars; one submission).

Conditions:
Neurodevelopmental disorder. Identifiers: MedGen C1535926, MeSH D065886, MONDO:0700092.

gnomAD v4.1: 1 of 1,613,998 alleles (0.000062%); highest among the groups gnomAD compares: Non-Finnish European, 0.000085%; no homozygotes.

Submission:

Victorian Clinical Genetics Services, Murdoch Childrens Research Institute
Classification: Uncertain significance for Neurodevelopmental disorder. Last evaluated: 2023-07-17. Review status: criteria provided, single submitter. Criteria: ACMG Guidelines, 2015. Collection method: clinical testing. Allele origin: germline. Inheritance: Autosomal dominant inheritance. Affected: yes.
Comment: Based on the classification scheme VCGS_Germline_v1.3.4, this variant is classified as VUS-3B. Following criteria are met: 0102 - Loss of function is a known mechanism of disease in this gene and is associated with neurodevelopmental disorder (MONDO:0700092), SRRM2-related. (I) 0107 - This gene is associated with autosomal dominant disease. (I) 0200 - Variant is predicted to result in a missense amino acid change from arginine to leucine. (I) 0251 - This variant is heterozygous. (I) 0302 - Variant is present in gnomAD (v3) <0.001 for a dominant condition (1 heterozygote, 0 homozygotes). (SP) 0309 - Multiple alternative amino acid changes at the same position have been observed in gnomAD (v2) (highest allele count: 8 heterozygotes, 0 homozygotes). (I) 0502 - Missense variant with conflicting in silico predictions and uninformative conservation. (I) 0604 - Variant is not located in an established domain, motif, hotspot or informative constraint region. (I) 0710 - Another missense variant comparable to the one identified in this case has inconclusive previous evidence for pathogenicity. This alternative change (p.(Arg1947Pro)) has been reported as a VUS (ClinVar). (I) 0807 - This variant has no previous evidence of pathogenicity. (I) 0905 - No published segregation evidence has been identified for this variant. (I) 1007 - No published functional evidence has been identified for this variant. (I) Legend: (SP) - Supporting pathogenic, (I) - Information, (SB) - Supporting benign